The following is an entry in ClinVar:

ClinVar aggregate classification (germline): Pathogenic. Review status: criteria provided, multiple submitters, no conflicts (2 of 4 stars). 2 submissions from 2 submitters: Pathogenic (2). Last evaluated 2023-05-05.

Conditions:
Hereditary cancer-predisposing syndrome. Also called: Neoplastic Syndromes, Hereditary; Tumor predisposition; Hereditary Cancer Syndrome; Hereditary neoplastic syndrome. Identifiers: Orphanet 140162, MedGen C0027672, MeSH D009386, MONDO:0015356.
Familial adenomatous polyposis 1 (FAP1). Also called: POLYPOSIS, ADENOMATOUS INTESTINAL; FAMILIAL ADENOMATOUS POLYPOSIS 1, ATTENUATED. Identifiers: MedGen C2713442, MONDO:0021056, OMIM 175100. Disease mechanism: loss of function.

Submissions (2):

Myriad Genetics, Inc.
Classification: Pathogenic for Familial adenomatous polyposis 1. Last evaluated: 2023-05-05. Review status: criteria provided, single submitter. Criteria: Myriad Autosomal Dominant, Autosomal Recessive and X-Linked Classification Criteria (2023). Collection method: clinical testing. Allele origin: unknown.
Comment: This variant is considered pathogenic. This variant creates a termination codon and is predicted to result in premature protein truncation.

Ambry Genetics
Classification: Pathogenic for Hereditary cancer-predisposing syndrome. Last evaluated: 2016-08-12. Review status: criteria provided, single submitter. Criteria: Ambry Variant Classification Scheme 2023. Collection method: clinical testing. Allele origin: germline.
Comment: The p.Q978* variant (also known as c.2932C>T), located in coding exon 15 of the APC gene, results from a C to T substitution at nucleotide position 2932. This changes the amino acid from a glutamine to a stop codon within coding exon 15. This alteration has been reported in multiple familial adenomatous polyposis (FAP) patients (Gebert JF et al. Ann. Surg., 1999 Mar;229:350-61; Friedl W et al. Hered Cancer Clin Pract, 2005 Sep;3:95-114; Plawski A et al. J. Appl. Genet., 2008;49:407-14). In addition to the clinical data presented in the literature, this alteration is expected to result in loss of function by premature protein truncation or nonsense-mediated mRNA decay. As such, this alteration is interpreted as a disease-causing mutation.

Literature cited by the submitters: PubMed 10077047 (cited by Ambry Genetics); PubMed 11355315 (cited by Ambry Genetics); PubMed 19029688 (cited by Ambry Genetics); PubMed 20223039 (cited by Ambry Genetics).

NM_000038.6(APC):c.2932C>T (p.Gln978Ter)

Gene: APC (APC regulator of Wnt signaling pathway; plus strand). Cytogenetic location: 5q22.2.
Variant type: single nucleotide variant.
Coding change: c.2932C>T on transcript NM_000038.6 (MANE Select); coding-DNA position 2932, C replaced by T.
Protein change: p.Gln978Ter; replaces glutamine 978 with a stop codon.
Molecular consequence: nonsense.
Genome position (GRCh38, 1-based): chr5:112,838,526, C>T. VCF-style: chr5-112838526-C-T. GRCh37 (hg19) VCF-style: chr5-112174223-C-T.
Other names: c.2932C>T, p.Gln978Ter (NM_001127510.3, NM_001354895.2, NM_001407450.1); c.2878C>T, p.Gln960Ter (NM_001127511.3); c.2986C>T, p.Gln996Ter (NM_001354896.2, NM_001407447.1, NM_001407448.1 and 1 more transcripts); c.2962C>T, p.Gln988Ter (NM_001354897.2); c.2857C>T, p.Gln953Ter (NM_001354898.2); c.2848C>T, p.Gln950Ter (NM_001354899.2); c.2809C>T, p.Gln937Ter (NM_001354900.2); c.2755C>T, p.Gln919Ter (NM_001354901.2, NM_001407453.1); and 11 more; short protein forms Q852*, Q877*, Q849*, Q895*, Q919*, Q950*, Q968*, Q971*.
Identifiers: ClinVar variation 1797834 (VCV001797834.4), dbSNP rs1765298309, ClinGen allele CA16027736.